The following is an entry in ClinVar:

NM_003200.5(TCF3):c.367-7C>G

Gene: TCF3 (transcription factor 3; minus strand). Cytogenetic location: 19p13.3.
Variant type: single nucleotide variant.
Coding change: c.367-7C>G on transcript NM_003200.5 (MANE Select); 7 bases into the intron before coding-DNA position 367, C replaced by G.
Molecular consequence: intron variant.
Genome position (GRCh38, 1-based): chr19:1,625,715, G>C on the plus strand (C>G on the coding strand, the complement: TCF3 is on the minus strand). VCF-style: chr19-1625715-G-C. GRCh37 (hg19) VCF-style: chr19-1625714-G-C.
Other names: c.367-7C>G (NM_001351778.2, NM_001136139.4, NM_001351779.2).
Identifiers: ClinVar variation 2957482 (VCV002957482.3), dbSNP rs1044277305, ClinGen allele CA304104640.

ClinVar aggregate classification (germline): Uncertain significance (1 of 4 stars; one submission).

gnomAD v4.1: 20 of 1,493,966 alleles (0.0013%); highest among the groups gnomAD compares: Non-Finnish European, 0.0016%; no homozygotes.

Submission:

Labcorp Genetics (formerly Invitae), Labcorp
Classification: Uncertain significance. Last evaluated: 2024-06-15. Review status: criteria provided, single submitter. Criteria: Invitae Variant Classification Sherloc (09022015). Collection method: clinical testing. Allele origin: germline.
Comment: This sequence change falls in intron 6 of the TCF3 gene. It does not directly change the encoded amino acid sequence of the TCF3 protein. This variant is not present in population databases (gnomAD no frequency). This variant has not been reported in the literature in individuals affected with TCF3-related conditions. Algorithms developed to predict the effect of sequence changes on RNA splicing suggest that this variant may disrupt the consensus splice site. In summary, the available evidence is currently insufficient to determine the role of this variant in disease. Therefore, it has been classified as a Variant of Uncertain Significance.